The following is an entry in ClinVar:

ClinVar aggregate classification (germline): Uncertain significance. Review status: criteria provided, multiple submitters, no conflicts (2 of 4 stars). 2 submissions from 2 submitters: Uncertain significance (2). Last evaluated 2025-03-20.

Conditions:
Neutropenia, severe congenital, 2, autosomal dominant. Identifiers: Orphanet 486, MedGen C2751288, MONDO:0013139, OMIM 613107.

gnomAD v4.1: 8 of 1,613,830 alleles (0.0005%); highest among the groups gnomAD compares: Non-Finnish European, 0.00059%; no homozygotes.

Submissions (2):

Ambry Genetics
Classification: Uncertain significance. Last evaluated: 2025-03-20. Review status: criteria provided, single submitter. Criteria: Ambry Variant Classification Scheme 2023. Collection method: clinical testing. Allele origin: germline.
Comment: The p.A97T variant (also known as c.289G>A), located in coding exon 2 of the GFI1 gene, results from a G to A substitution at nucleotide position 289. The alanine at codon 97 is replaced by threonine, an amino acid with similar properties. This amino acid position is conserved. In addition, this alteration is predicted to be tolerated by in silico analysis. Based on the available evidence, the clinical significance of this variant remains unclear.

Labcorp Genetics (formerly Invitae), Labcorp
Classification: Uncertain significance for Neutropenia, severe congenital, 2, autosomal dominant. Last evaluated: 2024-08-17. Review status: criteria provided, single submitter. Criteria: Invitae Variant Classification Sherloc (09022015). Collection method: clinical testing. Allele origin: germline.
Comment: This sequence change replaces alanine, which is neutral and non-polar, with threonine, which is neutral and polar, at codon 97 of the GFI1 protein (p.Ala97Thr). This variant is present in population databases (rs771344042, gnomAD 0.0009%). This variant has not been reported in the literature in individuals affected with GFI1-related conditions. Invitae Evidence Modeling of protein sequence and biophysical properties (such as structural, functional, and spatial information, amino acid conservation, physicochemical variation, residue mobility, and thermodynamic stability) indicates that this missense variant is not expected to disrupt GFI1 protein function with a negative predictive value of 80%. In summary, the available evidence is currently insufficient to determine the role of this variant in disease. Therefore, it has been classified as a Variant of Uncertain Significance.

NM_005263.5(GFI1):c.289G>A (p.Ala97Thr)

Gene: GFI1 (growth factor independent 1 transcriptional repressor; minus strand). Cytogenetic location: 1p22.1.
Variant type: single nucleotide variant.
Coding change: c.289G>A on transcript NM_005263.5 (MANE Select); coding-DNA position 289, G replaced by A.
Protein change: p.Ala97Thr; replaces alanine 97 with threonine.
Molecular consequence: missense variant.
Genome position (GRCh38, 1-based): chr1:92,482,873, C>T on the plus strand (G>A on the coding strand, the complement: GFI1 is on the minus strand). VCF-style: chr1-92482873-C-T. GRCh37 (hg19) VCF-style: chr1-92948430-C-T.
Other names: c.289G>A, p.Ala97Thr (NM_001127215.3, NM_001127216.3); short protein forms A97T.
Identifiers: ClinVar variation 3661974 (VCV003661974.3).
Genomic context (GRCh38, chr1:92,482,873, plus strand): 5'-ACTGCCGGGTCCCTGCAGCTCCCGCCCAAGAGGTTCCCAGTGGGTTCCTACCTGGAGACG[C>T]GGAGGGTGACGGGGGCCTCCAGAAGTCCTCAAACTCCGAGCTCCGTTCGCAGACGCTGCC-3'
Protein context (NP_005254.2, residues 87-107): EDFWRPPSPS[Ala97Thr]SPASEKSMCP